The following is an entry in ClinVar:

NM_177438.3(DICER1):c.560G>A (p.Arg187Gln)

Gene: DICER1 (dicer 1, ribonuclease III; minus strand). Cytogenetic location: 14q32.13.
Variant type: single nucleotide variant.
Coding change: c.560G>A on transcript NM_177438.3 (MANE Select); coding-DNA position 560, G replaced by A.
Protein change: p.Arg187Gln; replaces arginine 187 with glutamine.
Molecular consequence: missense variant.
Genome position (GRCh38, 1-based): chr14:95,130,071, C>T on the plus strand (G>A on the coding strand, the complement: DICER1 is on the minus strand). VCF-style: chr14-95130071-C-T. GRCh37 (hg19) VCF-style: chr14-95596408-C-T.
Other names: c.560G>A, p.Arg187Gln (NM_001195573.1, NM_001271282.3, NM_001291628.2 and 1 more transcripts); short protein forms R187Q.
Identifiers: ClinVar variation 477265 (VCV000477265.17), dbSNP rs775207591, ClinGen allele CA7331640.

ClinVar aggregate classification (germline): Uncertain significance. Review status: criteria provided, multiple submitters, no conflicts (2 of 4 stars). 4 submissions from 4 submitters: Uncertain significance (4). Last evaluated 2025-12-26.

Conditions:
Global developmental delay - lung cysts - overgrowth - Wilms tumor syndrome. Also called: GLOW Syndrome; GLOBAL DEVELOPMENTAL DELAY, LUNG CYSTS, OVERGROWTH, AND WILMS TUMOR. Identifiers: Orphanet 404476, MedGen C4748924, MONDO:0018445, OMIM 618272.
DICER1-related tumor predisposition. Also called: DICER1-related pleuropulmonary blastoma cancer predisposition syndrome; DICER1 syndrome. Identifiers: Orphanet 284343, MedGen C3839822, MONDO:0100216.
Hereditary cancer-predisposing syndrome. Also called: Tumor predisposition; Neoplastic Syndromes, Hereditary; Hereditary Cancer Syndrome; Hereditary neoplastic syndrome. Identifiers: Orphanet 140162, MedGen C0027672, MeSH D009386, MONDO:0015356.

Allele frequency attached by ClinVar (database versions not stated): TOPMed below 0.00001.
gnomAD v4.1: 12 of 1,613,234 alleles (0.00074%); highest among the groups gnomAD compares: Admixed American, 0.0033%; no homozygotes.

Submissions (4):

Labcorp Genetics (formerly Invitae), Labcorp
Classification: Uncertain significance for DICER1-related tumor predisposition. Last evaluated: 2025-12-26. Review status: criteria provided, single submitter. Criteria: Invitae Variant Classification Sherloc (09022015). Collection method: clinical testing. Allele origin: germline.
Comment: This sequence change replaces arginine, which is basic and polar, with glutamine, which is neutral and polar, at codon 187 of the DICER1 protein (p.Arg187Gln). The frequency data for this variant in the population databases is considered unreliable, as metrics indicate poor data quality at this position in the gnomAD database. This variant has not been reported in the literature in individuals affected with DICER1-related conditions. ClinVar contains an entry for this variant (Variation ID: 477265). Invitae Evidence Modeling of protein sequence and biophysical properties (such as structural, functional, and spatial information, amino acid conservation, physicochemical variation, residue mobility, and thermodynamic stability) indicates that this missense variant is not expected to disrupt DICER1 protein function with a negative predictive value of 95%. In summary, the available evidence is currently insufficient to determine the role of this variant in disease. Therefore, it has been classified as a Variant of Uncertain Significance.

Ambry Genetics
Classification: Uncertain significance for Hereditary cancer-predisposing syndrome. Last evaluated: 2025-02-12. Review status: criteria provided, single submitter. Criteria: Ambry Variant Classification Scheme 2023. Collection method: clinical testing. Allele origin: germline.
Comment: The p.R187Q variant (also known as c.560G>A), located in coding exon 4 of the DICER1 gene, results from a G to A substitution at nucleotide position 560. The arginine at codon 187 is replaced by glutamine, an amino acid with highly similar properties. This amino acid position is well conserved in available vertebrate species. In addition, this alteration is predicted to be tolerated by in silico analysis. Since supporting evidence is limited at this time, the clinical significance of this alteration remains unclear.

Baylor Genetics
Classification: Uncertain significance for Global developmental delay - lung cysts - overgrowth - Wilms tumor syndrome. Last evaluated: 2024-02-16. Review status: criteria provided, single submitter. Criteria: ACMG Guidelines, 2015. Collection method: clinical testing. Allele origin: unknown.

GeneDx
Classification: Uncertain significance. Last evaluated: 2024-01-31. Review status: criteria provided, single submitter. Criteria: GeneDx Variant Classification Process June 2021. Collection method: clinical testing. Allele origin: germline. Affected: yes.
Comment: Not observed at significant frequency in large population cohorts (gnomAD); In silico analysis supports that this missense variant does not alter protein structure/function; Has not been previously published as pathogenic or benign to our knowledge